The following is an entry in ClinVar:

NM_138694.4(PKHD1):c.158A>G (p.Asn53Ser)

Gene: PKHD1 (PKHD1 ciliary IPT domain containing fibrocystin/polyductin; minus strand). Cytogenetic location: 6p12.2.
Variant type: single nucleotide variant.
Coding change: c.158A>G on transcript NM_138694.4 (MANE Select); coding-DNA position 158, A replaced by G.
Protein change: p.Asn53Ser; replaces asparagine 53 with serine.
Molecular consequence: missense variant.
Genome position (GRCh38, 1-based): chr6:52,082,515, T>C on the plus strand (A>G on the coding strand, the complement: PKHD1 is on the minus strand). VCF-style: chr6-52082515-T-C. GRCh37 (hg19) VCF-style: chr6-51947313-T-C.
Other names: p.Asn53Ser; c.158A>G, p.Asn53Ser (NM_170724.3); short protein forms N53S.
Identifiers: ClinVar variation 197367 (VCV000197367.49), dbSNP rs141790557, ClinGen allele CA245465.
Genomic context (GRCh38, chr6:52,082,515, plus strand): 5'-CGCAGTGCGGGCACCACCATGTTCACGTTCACCAGGTGTATCTCCAATTGAGAGCCATTG[T>C]TGGGGTAAAGAACACCCAACTCCAAACCTAACACAAGGGAAAGAAATCTCAGGCTGCATA-3'
Protein context (NP_619639.3, residues 43-63): DGLELGVLYP[Asn53Ser]NGSQLEIHLV

ClinVar aggregate classification (germline): Conflicting classifications of pathogenicity. Review status: criteria provided, conflicting classifications (1 of 4 stars). 10 submissions from 10 submitters: Uncertain significance (2); Likely benign (6). 2 of the submissions do not count toward it. Last evaluated 2026-08-01.

Conditions:
Polycystic kidney disease 4 (PKD4). Also called: PKD3; Autosomal Recessive Polycystic Kidney Disease – PKHD1; POLYCYSTIC KIDNEY AND HEPATIC DISEASE 1; POLYCYSTIC KIDNEY DISEASE, INFANTILE, TYPE I; POLYCYSTIC KIDNEY DISEASE 4 WITH OR WITHOUT POLYCYSTIC LIVER DISEASE. Identifiers: MedGen C4540575, MONDO:0033004, OMIM 263200.
PKHD1-related disorder. Also called: PKHD1-related condition.
Autosomal recessive polycystic kidney disease (ARPKD). Also called: AR polycystic kidney disease. Identifiers: Orphanet 731, Orphanet 8378, MedGen C0085548, MeSH D017044, MONDO:0009889.

Allele frequency attached by ClinVar (database versions not stated): TOPMed 0.00132; ESP Exome Variant Server 0.00146; 1000 Genomes Project 30x 0.00172; 1000 Genomes Project 0.00180.
gnomAD v4.1: 2,868 of 1,614,118 alleles (0.18%); highest among the groups gnomAD compares: Non-Finnish European, 0.22%; 11 homozygotes.

Submissions (10):

CeGaT Center for Human Genetics Tuebingen
Classification: Likely benign. Last evaluated: 2026-08-01. Review status: criteria provided, single submitter. Criteria: CeGaT Center For Human Genetics Tuebingen Variant Classification Criteria Version 2. Collection method: clinical testing. Allele origin: germline. Affected: yes. Observed: 4 variant alleles.
Comment: PKHD1: BP4, BS2

Labcorp Genetics (formerly Invitae), Labcorp
Classification: Likely benign for Autosomal recessive polycystic kidney disease. Last evaluated: 2026-02-04. Review status: criteria provided, single submitter. Criteria: Invitae Variant Classification Sherloc (09022015). Collection method: clinical testing. Allele origin: germline.

Mayo Clinic Laboratories, Mayo Clinic
Classification: Uncertain significance. Last evaluated: 2025-07-23. Review status: criteria provided, single submitter. Criteria: ACMG Guidelines, 2015. Collection method: clinical testing. Allele origin: germline. Observed: 3 variant alleles.
Comment: BP4_moderate

Blueprint Genetics
Classification: Likely benign. Last evaluated: 2024-11-26. Review status: criteria provided, single submitter. Criteria: ACMG Guidelines, 2015. Collection method: clinical testing. Allele origin: germline.

Department of Pathology and Laboratory Medicine, Sinai Health System
Classification: Likely benign for Polycystic kidney disease 4. Last evaluated: 2022-09-15. Review status: criteria provided, single submitter. Criteria: ACMG Guidelines, 2015. Collection method: clinical testing. Allele origin: germline. Affected: yes.

GeneDx
Classification: Likely benign. Last evaluated: 2020-02-12. Review status: criteria provided, single submitter. Criteria: GeneDx Variant Classification Process June 2021. Collection method: clinical testing. Allele origin: germline. Affected: yes.

Illumina Laboratory Services, Illumina
Classification: Uncertain significance for Polycystic kidney disease 4. Last evaluated: 2018-01-13. Review status: criteria provided, single submitter. Criteria: ICSL Variant Classification Criteria 13 December 2019. Collection method: clinical testing. Allele origin: germline.

Eurofins Ntd Llc (ga)
Classification: Likely benign. Last evaluated: 2016-10-24. Review status: criteria provided, single submitter. Criteria: EGL Classification Definitions 2015. Collection method: clinical testing. Allele origin: germline. Observed: 5 variant alleles, 5 heterozygotes.

PreventionGenetics, part of Exact Sciences
Classification: Likely benign for PKHD1-related condition. Last evaluated: 2023-01-13. Review status: no assertion criteria provided. Collection method: clinical testing. Allele origin: germline. Not counted in ClinVar's aggregate classification.
Comment: This variant is classified as likely benign based on ACMG/AMP sequence variant interpretation guidelines (Richards et al. 2015 PMID: 25741868, with internal and published modifications).

Natera, Inc.
Classification: Uncertain significance for Autosomal recessive polycystic kidney disease. Last evaluated: 2017-05-08. Review status: no assertion criteria provided. Collection method: clinical testing. Allele origin: germline. Not counted in ClinVar's aggregate classification.

Literature cited by the submitters: PubMed 31308072 (cited by Mayo Clinic Laboratories, Mayo Clinic).